The following is an entry in ClinVar:

ClinVar aggregate classification (germline): Likely benign (1 of 4 stars; one submission).

Conditions:
ZEB2-related disorder. Also called: ZEB2-related condition.

gnomAD v4.1: 1 of 1,614,028 alleles (0.000062%); highest among the groups gnomAD compares: Admixed American, 0.0017%; no homozygotes.

Submission:

PreventionGenetics, part of Exact Sciences
Classification: Likely benign for ZEB2-related condition. Last evaluated: 2025-04-19. Review status: criteria provided, single submitter. Criteria: ACMG Guidelines, 2015. Collection method: clinical testing. Allele origin: germline.
Comment: This variant is classified as likely benign based on ACMG/AMP sequence variant interpretation guidelines (Richards et al. 2015 PMID: 25741868, with internal and published modifications).

NM_014795.4(ZEB2):c.1962C>T (p.Asp654=)

Gene: ZEB2 (zinc finger E-box binding homeobox 2; minus strand). Cytogenetic location: 2q22.3.
Variant type: single nucleotide variant.
Coding change: c.1962C>T on transcript NM_014795.4 (MANE Select); coding-DNA position 1962, C replaced by T.
Protein change: p.Asp654=; no amino-acid change (aspartic acid 654 retained).
Molecular consequence: synonymous variant.
Genome position (GRCh38, 1-based): chr2:144,399,225, G>A on the plus strand (C>T on the coding strand, the complement: ZEB2 is on the minus strand). VCF-style: chr2-144399225-G-A. GRCh37 (hg19) VCF-style: chr2-145156792-G-A.
Other names: c.1890C>T, p.Asp630= (NM_001171653.2).
Identifiers: ClinVar variation 5000837 (VCV005000837.1).
Genomic context (GRCh38, chr2:144,399,225, plus strand): 5'-CAGTTCATCGGAGTTGGGCTCCATGTTCATAGCATAGTATGCTTTGAGTACAGACATGTG[G>A]TCCTTGTATGGGTTGATGGGGCTTGTCATTCCTTTCTCAGAAAGTACAGATGACAAGAGG-3'
Protein context (NP_055610.1, residues 644-664): GMTSPINPYK[Asp654=]HMSVLKAYYA